The following is an entry in ClinVar:

ClinVar aggregate classification (germline): Uncertain significance (1 of 4 stars; one submission).

Conditions:
Cardiac anomalies - developmental delay - facial dysmorphism syndrome (MRFACD). Also called: MED13L Syndrome; Impaired intellectual development and distinctive facial features with or without cardiac defects. Identifiers: Orphanet 369891, MedGen C5192431, MONDO:0014773, OMIM 616789.

Allele frequency attached by ClinVar (database versions not stated): gnomAD exomes below 0.00001.
gnomAD v4.1: 1 of 1,605,480 alleles (0.000062%); highest among the groups gnomAD compares: Non-Finnish European, 0.000085%; no homozygotes.

Submission:

Centre for Mendelian Genomics, University Medical Centre Ljubljana
Classification: Uncertain significance for Cardiac anomalies - developmental delay - facial dysmorphism syndrome. Last evaluated: 2019-04-11. Review status: criteria provided, single submitter. Criteria: ACMG Guidelines, 2015. Collection method: clinical testing. Allele origin: unknown. Affected: yes.
Comment: This variant was classified as: Uncertain significance. The available evidence favors the benign nature of this variant, however the evidence is insufficent to prove its benign nature. The following ACMG criteria were applied in classifying this variant: PM2,BP4.

NM_015335.5(MED13L):c.1175+20T>C

Gene: MED13L (mediator complex subunit 13L; minus strand). Cytogenetic location: 12q24.21.
Variant type: single nucleotide variant.
Coding change: c.1175+20T>C on transcript NM_015335.5 (MANE Select); 20 bases into the intron after coding-DNA position 1175, T replaced by C.
Molecular consequence: intron variant.
Genome position (GRCh38, 1-based): chr12:116,015,089, A>G on the plus strand (T>C on the coding strand, the complement: MED13L is on the minus strand). VCF-style: chr12-116015089-A-G. GRCh37 (hg19) VCF-style: chr12-116452894-A-G.
Identifiers: ClinVar variation 931088 (VCV000931088.3), dbSNP rs1879642923, ClinGen allele CA1139662904.
Genomic context (GRCh38, chr12:116,015,089, plus strand): 5'-CAATGTGATTGACATTTTCCAGGTAGCAATCAAGGAGATGGTTACTAAACTATGATCTAG[A>G]CATAATCGAGAAAACTTACTTGGACTGGGTTCTGTTGAGGATGCATTCCTTCCAGACTCG-3'